The following is an entry in ClinVar:

ClinVar aggregate classification (germline): Uncertain significance. Review status: criteria provided, multiple submitters, no conflicts (2 of 4 stars). 3 submissions from 3 submitters: Uncertain significance (3). Last evaluated 2024-12-02.

Conditions:
Hereditary cancer-predisposing syndrome. Also called: Neoplastic Syndromes, Hereditary; Tumor predisposition; Hereditary neoplastic syndrome; Hereditary Cancer Syndrome. Identifiers: Orphanet 140162, MedGen C0027672, MeSH D009386, MONDO:0015356.
Intellectual disability, autosomal dominant 16 (CSS4). Also called: COFFIN-SIRIS SYNDROME 4. Identifiers: Orphanet 1465, MedGen C3553249, MONDO:0013821, OMIM 614609.
Rhabdoid tumor predisposition syndrome 2 (RTPS2). Identifiers: Orphanet 231108, Orphanet 69077, MedGen C2750074, MONDO:0013224, OMIM 613325.

Allele frequency attached by ClinVar (database versions not stated): gnomAD exomes below 0.00001.

Submissions (3):

Labcorp Genetics (formerly Invitae), Labcorp
Classification: Uncertain significance for Rhabdoid tumor predisposition syndrome 2. Last evaluated: 2024-12-02. Review status: criteria provided, single submitter. Criteria: Invitae Variant Classification Sherloc (09022015). Collection method: clinical testing. Allele origin: germline.
Comment: This sequence change replaces serine, which is neutral and polar, with leucine, which is neutral and non-polar, at codon 323 of the SMARCA4 protein (p.Ser323Leu). This variant is not present in population databases (gnomAD no frequency). This variant has not been reported in the literature in individuals affected with SMARCA4-related conditions. ClinVar contains an entry for this variant (Variation ID: 328022). Invitae Evidence Modeling of protein sequence and biophysical properties (such as structural, functional, and spatial information, amino acid conservation, physicochemical variation, residue mobility, and thermodynamic stability) indicates that this missense variant is not expected to disrupt SMARCA4 protein function with a negative predictive value of 95%. In summary, the available evidence is currently insufficient to determine the role of this variant in disease. Therefore, it has been classified as a Variant of Uncertain Significance.

Ambry Genetics
Classification: Uncertain significance for Hereditary cancer-predisposing syndrome. Last evaluated: 2024-08-27. Review status: criteria provided, single submitter. Criteria: Ambry Variant Classification Scheme 2023. Collection method: clinical testing. Allele origin: germline.
Comment: The p.S323L variant (also known as c.968C>T), located in coding exon 5 of the SMARCA4 gene, results from a C to T substitution at nucleotide position 968. The serine at codon 323 is replaced by leucine, an amino acid with dissimilar properties. This amino acid position is well conserved in available vertebrate species. In addition, the in silico prediction for this alteration is inconclusive. Based on the available evidence, the clinical significance of this variant remains unclear.

Genome-Nilou Lab
Classification: Uncertain significance for Intellectual disability, autosomal dominant 16. Last evaluated: 2021-07-15. Review status: criteria provided, single submitter. Criteria: ACMG Guidelines, 2015. Collection method: clinical testing. Allele origin: germline. Affected: no.

NM_003072.5(SMARCA4):c.968C>T (p.Ser323Leu)

Gene: SMARCA4 (SWI/SNF related BAF chromatin remodeling complex subunit ATPase 4; plus strand). Cytogenetic location: 19p13.2.
Variant type: single nucleotide variant.
Coding change: c.968C>T on transcript NM_003072.5 (MANE Select); coding-DNA position 968, C replaced by T.
Protein change: p.Ser323Leu; replaces serine 323 with leucine.
Molecular consequence: missense variant. On other transcripts: non-coding transcript variant (1).
Genome position (GRCh38, 1-based): chr19:10,987,774, C>T. VCF-style: chr19-10987774-C-T. GRCh37 (hg19) VCF-style: chr19-11098450-C-T.
Other names: c.968C>T, p.Ser323Leu (NM_001128844.3, NM_001128845.2, NM_001128846.2 and 5 more transcripts); short protein forms S323L.
Identifiers: ClinVar variation 328022 (VCV000328022.20), dbSNP rs886054151, ClinGen allele CA10648212.
Genomic context (GRCh38, chr19:10,987,774, plus strand): 5'-TTCCCCCGCAGCCAACGGGCCGCCCTTCCCCCGCGCCCCCTGCCGTCCCACCCGCCGCCT[C>T]GCCCGTGATGCCACCGCAGACCCAGTCCCCCGGGCAGCCGGCCCAGCCCGCGCCCATGGT-3'
Protein context (NP_003063.2, residues 313-333): PAPPAVPPAA[Ser323Leu]PVMPPQTQSP